The following is an entry in ClinVar:

NM_033026.6(PCLO):c.6732T>A (p.Ser2244Arg)

Gene: PCLO (piccolo presynaptic cytomatrix protein; minus strand). Cytogenetic location: 7q21.11.
Variant type: single nucleotide variant.
Coding change: c.6732T>A on transcript NM_033026.6 (MANE Select); coding-DNA position 6732, T replaced by A.
Protein change: p.Ser2244Arg; replaces serine 2244 with arginine.
Molecular consequence: missense variant.
Genome position (GRCh38, 1-based): chr7:82,954,221, A>T on the plus strand (T>A on the coding strand, the complement: PCLO is on the minus strand). VCF-style: chr7-82954221-A-T. GRCh37 (hg19) VCF-style: chr7-82583537-A-T.
Other names: c.6732T>A, p.Ser2244Arg (NM_014510.3); c.6732T>A (NM_033026.5); short protein forms S2244R.
Identifiers: ClinVar variation 1523310 (VCV001523310.6), dbSNP rs1044922604, ClinGen allele CA161147203.

ClinVar aggregate classification (germline): Uncertain significance. Review status: criteria provided, multiple submitters, no conflicts (2 of 4 stars). 2 submissions from 2 submitters: Uncertain significance (2). Last evaluated 2025-08-25.

Conditions:
Inborn genetic diseases. Identifiers: MedGen C0950123, MeSH D030342.

Allele frequency attached by ClinVar (database versions not stated): gnomAD exomes 0.00002; TOPMed 0.00002; gnomAD 0.00004.
gnomAD v4.1: 58 of 1,613,542 alleles (0.0036%); highest among the groups gnomAD compares: Non-Finnish European, 0.0047%; no homozygotes.

Submissions (2):

Ambry Genetics
Classification: Uncertain significance for Inborn genetic diseases. Last evaluated: 2025-08-25. Review status: criteria provided, single submitter. Criteria: Ambry Variant Classification Scheme 2023. Collection method: clinical testing. Allele origin: germline.

Labcorp Genetics (formerly Invitae), Labcorp
Classification: Uncertain significance. Last evaluated: 2022-09-06. Review status: criteria provided, single submitter. Criteria: Invitae Variant Classification Sherloc (09022015). Collection method: clinical testing. Allele origin: germline.
Comment: This sequence change replaces serine, which is neutral and polar, with arginine, which is basic and polar, at codon 2244 of the PCLO protein (p.Ser2244Arg). This variant is present in population databases (no rsID available, gnomAD 0.005%). This variant has not been reported in the literature in individuals affected with PCLO-related conditions. ClinVar contains an entry for this variant (Variation ID: 1523310). Algorithms developed to predict the effect of missense changes on protein structure and function are either unavailable or do not agree on the potential impact of this missense change (SIFT: "Tolerated"; PolyPhen-2: "Not Available"; Align-GVGD: "Class C0"). In summary, the available evidence is currently insufficient to determine the role of this variant in disease. Therefore, it has been classified as a Variant of Uncertain Significance.